The following is an entry in ClinVar:

NM_001080467.3(MYO5B):c.3397-9C>T

Gene: MYO5B (myosin VB; minus strand). Cytogenetic location: 18q21.1.
Variant type: single nucleotide variant.
Coding change: c.3397-9C>T on transcript NM_001080467.3 (MANE Select); 9 bases into the intron before coding-DNA position 3397, C replaced by T.
Molecular consequence: intron variant.
Genome position (GRCh38, 1-based): chr18:49,875,836, G>A on the plus strand (C>T on the coding strand, the complement: MYO5B is on the minus strand). VCF-style: chr18-49875836-G-A. GRCh37 (hg19) VCF-style: chr18-47402206-G-A.
Other names: c.3397-9C>T (NM_001080467.2).
Identifiers: ClinVar variation 1593397 (VCV001593397.10), dbSNP rs746061698, ClinGen allele CA8960722.
Genomic context (GRCh38, chr18:49,875,836, plus strand): 5'-GCAGCTTCAGGAAGACCGTCATGTCCATGGCTGCCTTCTCCAGGCCAATTTCCTTCAAAG[G>A]AAGACAGGCACAGAAAAAAGGTTTTCCTAAATACATGCCTTAGGGAACACACAGCACTTC-3'

ClinVar aggregate classification (germline): Likely benign. Review status: criteria provided, multiple submitters, no conflicts (2 of 4 stars). 3 submissions from 3 submitters: Likely benign (3). Last evaluated 2026-04-16.

Conditions:
MYO5B-related disorder. Also called: MYO5B-related condition.

Allele frequency attached by ClinVar (database versions not stated): ExAC 0.00002; gnomAD exomes 0.00002 and 0.00004; TOPMed 0.00003; gnomAD 0.00004.
gnomAD v4.1: 66 of 1,613,862 alleles (0.0041%); highest among the groups gnomAD compares: Non-Finnish European, 0.0048%; no homozygotes.

Submissions (3):

PreventionGenetics, part of Exact Sciences
Classification: Likely benign for MYO5B-related condition. Last evaluated: 2026-04-16. Review status: criteria provided, single submitter. Criteria: ACMG Guidelines, 2015. Collection method: clinical testing. Allele origin: germline.
Comment: This variant is classified as likely benign based on ACMG/AMP sequence variant interpretation guidelines (Richards et al. 2015 PMID: 25741868, with internal and published modifications).

Labcorp Genetics (formerly Invitae), Labcorp
Classification: Likely benign. Last evaluated: 2025-07-13. Review status: criteria provided, single submitter. Criteria: Invitae Variant Classification Sherloc (09022015). Collection method: clinical testing. Allele origin: germline.

Blueprint Genetics
Classification: Likely benign. Last evaluated: 2018-10-17. Review status: criteria provided, single submitter. Criteria: ACMG Guidelines, 2015. Collection method: clinical testing. Allele origin: germline.